The following is an entry in ClinVar:

NM_004415.4(DSP):c.8536C>G (p.Arg2846Gly)

Gene: DSP (desmoplakin; plus strand). Cytogenetic location: 6p24.3.
Variant type: single nucleotide variant.
Coding change: c.8536C>G on transcript NM_004415.4 (MANE Select); coding-DNA position 8536, C replaced by G.
Protein change: p.Arg2846Gly; replaces arginine 2846 with glycine.
Molecular consequence: missense variant.
Genome position (GRCh38, 1-based): chr6:7,585,798, C>G. VCF-style: chr6-7585798-C-G. GRCh37 (hg19) VCF-style: chr6-7586031-C-G.
Other names: c.6739C>G, p.Arg2247Gly (NM_001008844.3); c.7207C>G, p.Arg2403Gly (NM_001319034.2); c.8536C>G (NM_004415.3); short protein forms R2846G, R2403G, R2247G.
Identifiers: ClinVar variation 44976 (VCV000044976.24), dbSNP rs397516972, ClinGen allele CA007730.

ClinVar aggregate classification (germline): Conflicting classifications of pathogenicity. Review status: criteria provided, conflicting classifications (1 of 4 stars). 8 submissions from 8 submitters: Uncertain significance (7); Likely benign (1). Last evaluated 2026-05-24.

Conditions:
DSP-related disorder. Also called: DSP-related condition; DSP-related disorders.
Cardiovascular phenotype. Identifiers: MedGen CN230736.
Cardiomyopathy (CMYO). Also called: Cardiomyopathies. Identifiers: Orphanet 167848, MedGen C0878544, MONDO:0004994, HP:0001638. Inheritance: Various modes of inheritance.
Arrhythmogenic right ventricular dysplasia 8 (ARVD8). Also called: Arrhythmogenic Right Ventricular Dysplasia/Cardiomyopathy 8; ARRHYTHMOGENIC RIGHT VENTRICULAR DYSPLASIA, FAMILIAL, 8; ARRHYTHMOGENIC RIGHT VENTRICULAR CARDIOMYOPATHY 8. Identifiers: MedGen C1843896, MONDO:0011831, OMIM 607450.
Arrhythmogenic cardiomyopathy with wooly hair and keratoderma. Also called: Carvajal syndrome; Dilated cardiomyopathy with woolly hair and keratoderma; PALMOPLANTAR KERATODERMA WITH LEFT VENTRICULAR CARDIOMYOPATHY AND WOOLLY HAIR; Arrhythmogenic cardiomyopathy with woolly hair and keratoderma. Identifiers: Orphanet 65282, MedGen C1854063, MONDO:0011581, OMIM 605676.
Woolly hair-skin fragility syndrome (WHSF). Identifiers: Orphanet 293165, MedGen C1843292, MONDO:0957307, OMIM 620415.
Cardiomyopathy, dilated, with wooly hair, keratoderma, and tooth agenesis. Also called: Erythrokeratodermia-cardiomyopathy syndrome; Cardiomyopathy, dilated, with woolly hair, keratoderma, and tooth agenesis. Identifiers: Orphanet 476096, Orphanet 65282, MedGen C4014393, MONDO:0014355, OMIM 615821.
Lethal acantholytic epidermolysis bullosa (EBLA). Identifiers: Orphanet 158687, MedGen C1864826, MONDO:0012323, OMIM 609638.
Keratosis palmoplantaris striata 2. Also called: KERATODERMA, PALMOPLANTAR, STRIATE FORM II; STRIATE PALMOPLANTAR KERATODERMA II; Keratosis palmoplantaris striata II. Identifiers: MedGen C1852127, MONDO:0013034, OMIM 612908.

Allele frequency attached by ClinVar (database versions not stated): gnomAD exomes below 0.00001; gnomAD 0.00002; TOPMed 0.00002.
gnomAD v4.1: 36 of 1,610,742 alleles (0.0022%); highest among the groups gnomAD compares: Non-Finnish European, 0.0027%; no homozygotes.

Submissions (8):

PreventionGenetics, part of Exact Sciences
Classification: Uncertain significance for DSP-related condition. Last evaluated: 2026-05-24. Review status: criteria provided, single submitter. Criteria: ACMG Guidelines, 2015. Collection method: clinical testing. Allele origin: germline.
Comment: The DSP c.8536C>G variant is predicted to result in the amino acid substitution p.Arg2846Gly. This variant has been reported as a variant of uncertain significance in an individual with arrhythmogenic right ventricular cardiomyopathy (Table S2, Adler et al. 2016. PubMed ID: 26743238). This variant is reported in 0.0040% of alleles in individuals of African descent in gnomAD. At this time, the clinical significance of this variant is uncertain due to the absence of conclusive functional and genetic evidence.

Labcorp Genetics (formerly Invitae), Labcorp
Classification: Likely benign for Arrhythmogenic cardiomyopathy with wooly hair and keratoderma; Arrhythmogenic right ventricular dysplasia 8. Last evaluated: 2025-09-22. Review status: criteria provided, single submitter. Criteria: Invitae Variant Classification Sherloc (09022015). Collection method: clinical testing. Allele origin: germline.

Color Diagnostics, LLC DBA Color Health
Classification: Uncertain significance for Cardiomyopathy. Last evaluated: 2024-05-03. Review status: criteria provided, single submitter. Criteria: ACMG Guidelines, 2015. Collection method: clinical testing. Allele origin: germline.
Comment: This missense variant replaces arginine with glycine at codon 2846 of the DSP protein. Computational prediction suggests that this variant may not impact protein structure and function (internally defined REVEL score threshold <= 0.5, PMID: 27666373). To our knowledge, functional studies have not been reported for this variant. This variant has not been reported in individuals affected with DSP-related disorders in the literature. This variant has been identified in 2/278452 chromosomes in the general population by the Genome Aggregation Database (gnomAD). The available evidence is insufficient to determine the role of this variant in disease conclusively. Therefore, this variant is classified as a Variant of Uncertain Significance.

Blueprint Genetics
Classification: Uncertain significance. Last evaluated: 2023-06-14. Review status: criteria provided, single submitter. Criteria: ACMG Guidelines, 2015. Collection method: clinical testing. Allele origin: germline.

Fulgent Genetics
Classification: Uncertain significance for Arrhythmogenic cardiomyopathy with wooly hair and keratoderma; Arrhythmogenic right ventricular dysplasia 8; Lethal acantholytic epidermolysis bullosa; Keratosis palmoplantaris striata 2; Cardiomyopathy, dilated, with wooly hair, keratoderma, and tooth agenesis. Last evaluated: 2021-09-13. Review status: criteria provided, single submitter. Criteria: ACMG Guidelines, 2015. Collection method: clinical testing. Allele origin: unknown.

Ambry Genetics
Classification: Uncertain significance for Cardiovascular phenotype. Last evaluated: 2019-11-19. Review status: criteria provided, single submitter. Criteria: Ambry Variant Classification Scheme 2023. Collection method: clinical testing. Allele origin: germline.

GeneDx
Classification: Uncertain significance. Last evaluated: 2018-05-24. Review status: criteria provided, single submitter. Criteria: GeneDx Variant Classification (06012015). Collection method: clinical testing. Allele origin: germline. Affected: yes.
Comment: A variant of uncertain significance has been identified in the DSP gene. The R2846G variant has been reported in one individual in association with ARVC, although no further clinical details or segregation studies were described (Adler et al., 2016). This variant is also not observed at a significant frequency in large population cohorts (Lek et al., 2016). The R2846G variant is a non-conservative amino acid substitution, which is likely to impact secondary protein structure as these residues differ in polarity, charge, size and/or other properties. In-silico analyses, including protein predictors and evolutionary conservation, support a deleterious effect. Nevertheless, this variant has not been observed in a significant number of affected individuals, and it lacks both segregation and functional studies which would further clarify its pathogenicity. Finally, R2846G is also classified as a variant of uncertain significance in ClinVar by another clinical laboratory (SCV000061779.5; Landrum et al., 2016).

Laboratory for Molecular Medicine, Mass General Brigham Personalized Medicine
Classification: Uncertain significance. Last evaluated: 2012-06-30. Review status: criteria provided, single submitter. Criteria: LMM Criteria. Collection method: clinical testing. Allele origin: germline. Observed: 1 variant allele.
Comment: The Arg2846Gly variant in DSP has not been reported in the literature, but has b een listed in the ARVC Mutation Database without any additional information. Computational analyses (biochemical amino acid properti es, conservation, AlignGVGD, and PolyPhen2) suggest that it may impact the prote in, though this information is not predictive enough to determine pathogenicity. The variant has not been detected in 2 very large and broad populations (Europe an and African American) screened by the NHLBI Exome Sequencing Project. This low frequency is consistent with a pathogenic role but is insufficient to establish this with confidence. Additional informat ion is needed to fully assess the clinical significance of the Arg2846Gly varian t.